The following is an entry in ClinVar:

NM_001482.3(GATM):c.724G>C (p.Gly242Arg)

Gene: GATM (glycine amidinotransferase; minus strand). Cytogenetic location: 15q21.1.
Variant type: single nucleotide variant.
Coding change: c.724G>C on transcript NM_001482.3 (MANE Select); coding-DNA position 724, G replaced by C.
Protein change: p.Gly242Arg; replaces glycine 242 with arginine.
Molecular consequence: missense variant.
Genome position (GRCh38, 1-based): chr15:45,366,460, C>G on the plus strand (G>C on the coding strand, the complement: GATM is on the minus strand). VCF-style: chr15-45366460-C-G. GRCh37 (hg19) VCF-style: chr15-45658658-C-G.
Other names: c.337G>C, p.Gly113Arg (NM_001321015.2); short protein forms G242R, G113R.
Identifiers: ClinVar variation 1396992 (VCV001396992.6), dbSNP rs1236954285, ClinGen allele CA392259152.

ClinVar aggregate classification (germline): Uncertain significance (1 of 4 stars; one submission).

Conditions:
Arginine:glycine amidinotransferase deficiency (CCDS3). Also called: L-Arginine:Glycine Amidinotransferase (AGAT) Deficiency; Cerebral creatine deficiency syndrome 3; AGAT deficiency; L-Arginine:Glycine Amidinotransferase Deficiency; Creatine deficiency syndrome due to AGAT deficiency; GATM deficiency. Identifiers: Orphanet 35704, MedGen C2675179, MONDO:0012996, OMIM 612718.

Allele frequency attached by ClinVar (database versions not stated): TOPMed below 0.00001; gnomAD 0.00001.
gnomAD v4.1: 1 of 1,613,954 alleles (0.000062%); highest among the groups gnomAD compares: Non-Finnish European, 0.000085%; no homozygotes.

Submission:

Labcorp Genetics (formerly Invitae), Labcorp
Classification: Uncertain significance for Arginine:glycine amidinotransferase deficiency. Last evaluated: 2022-01-03. Review status: criteria provided, single submitter. Criteria: Invitae Variant Classification Sherloc (09022015). Collection method: clinical testing. Allele origin: germline.
Comment: In summary, the available evidence is currently insufficient to determine the role of this variant in disease. Therefore, it has been classified as a Variant of Uncertain Significance. Algorithms developed to predict the effect of missense changes on protein structure and function are either unavailable or do not agree on the potential impact of this missense change (SIFT: "Deleterious"; PolyPhen-2: "Benign"; Align-GVGD: "Class C15"). This variant has not been reported in the literature in individuals affected with GATM-related conditions. This variant is not present in population databases (gnomAD no frequency). This sequence change replaces glycine, which is neutral and non-polar, with arginine, which is basic and polar, at codon 242 of the GATM protein (p.Gly242Arg).